The following is an entry in ClinVar:

ClinVar aggregate classification (germline): Uncertain significance. Review status: criteria provided, multiple submitters, no conflicts (2 of 4 stars). 2 submissions from 2 submitters: Uncertain significance (2). Last evaluated 2023-10-24.

gnomAD v4.1: 1 of 1,522,992 alleles (0.000066%); highest among the groups gnomAD compares: Non-Finnish European, 0.000088%; no homozygotes.

Submissions (2):

Blueprint Genetics
Classification: Uncertain significance. Last evaluated: 2023-10-24. Review status: criteria provided, single submitter. Criteria: ACMG Guidelines, 2015. Collection method: clinical testing. Allele origin: germline.

Labcorp Genetics (formerly Invitae), Labcorp
Classification: Uncertain significance. Last evaluated: 2022-08-29. Review status: criteria provided, single submitter. Criteria: Invitae Variant Classification Sherloc (09022015). Collection method: clinical testing. Allele origin: germline.
Comment: In summary, the available evidence is currently insufficient to determine the role of this variant in disease. Therefore, it has been classified as a Variant of Uncertain Significance. Algorithms developed to predict the effect of missense changes on protein structure and function are either unavailable or do not agree on the potential impact of this missense change (SIFT: "Deleterious"; PolyPhen-2: "Probably Damaging"; Align-GVGD: "Class C0"). This variant has not been reported in the literature in individuals affected with FGF20-related conditions. This variant is not present in population databases (gnomAD no frequency). This sequence change replaces glycine, which is neutral and non-polar, with cysteine, which is neutral and slightly polar, at codon 16 of the FGF20 protein (p.Gly16Cys).

NM_019851.3(FGF20):c.46G>T (p.Gly16Cys)

Gene: FGF20 (fibroblast growth factor 20; minus strand). Cytogenetic location: 8p22.
Variant type: single nucleotide variant.
Coding change: c.46G>T on transcript NM_019851.3 (MANE Select); coding-DNA position 46, G replaced by T.
Protein change: p.Gly16Cys; replaces glycine 16 with cysteine.
Molecular consequence: missense variant.
Genome position (GRCh38, 1-based): chr8:17,001,987, C>A on the plus strand (G>T on the coding strand, the complement: FGF20 is on the minus strand). VCF-style: chr8-17001987-C-A. GRCh37 (hg19) VCF-style: chr8-16859496-C-A.
Other names: short protein forms G16C.
Identifiers: ClinVar variation 2100263 (VCV002100263.5), dbSNP rs2536546437, ClinGen allele CA370395906.